The following is an entry in ClinVar:

NM_002485.5(NBN):c.484A>C (p.Ile162Leu)

Gene: NBN (nibrin; minus strand). Cytogenetic location: 8q21.3.
Variant type: single nucleotide variant.
Coding change: c.484A>C on transcript NM_002485.5 (MANE Select); coding-DNA position 484, A replaced by C.
Protein change: p.Ile162Leu; replaces isoleucine 162 with leucine.
Molecular consequence: missense variant.
Genome position (GRCh38, 1-based): chr8:89,978,320, T>G on the plus strand (A>C on the coding strand, the complement: NBN is on the minus strand). VCF-style: chr8-89978320-T-G. GRCh37 (hg19) VCF-style: chr8-90990548-T-G.
Other names: c.238A>C, p.Ile80Leu (NM_001024688.3); short protein forms I80L, I162L.
Identifiers: ClinVar variation 661967 (VCV000661967.8), dbSNP rs750594114, ClinGen allele CA371660724.

ClinVar aggregate classification (germline): Uncertain significance (1 of 4 stars; one submission).

Conditions:
Microcephaly, normal intelligence and immunodeficiency (NBS). Also called: Microcephaly with normal intelligence immunodeficiency and lymphoreticular malignancies; Nonsyndromal microcephaly autosomal recessive with normal intelligence; Seemanova syndrome 2; Immunodeficiency, microcephaly with normal intelligence; SEEMANOVA SYNDROME II; Ataxia telangiectasia variant V1. Identifiers: Orphanet 647, MedGen C0398791, MONDO:0009623, OMIM 251260.

Submission:

Labcorp Genetics (formerly Invitae), Labcorp
Classification: Uncertain significance for Microcephaly, normal intelligence and immunodeficiency. Last evaluated: 2018-09-04. Review status: criteria provided, single submitter. Criteria: Invitae Variant Classification Sherloc (09022015). Collection method: clinical testing. Allele origin: germline.
Comment: This sequence change replaces isoleucine with leucine at codon 162 of the NBN protein (p.Ile162Leu). The isoleucine residue is highly conserved and there is a small physicochemical difference between isoleucine and leucine. This variant is not present in population databases (ExAC no frequency). This variant has not been reported in the literature in individuals with NBN-related disease. Algorithms developed to predict the effect of missense changes on protein structure and function (SIFT, PolyPhen-2, Align-GVGD) all suggest that this variant is likely to be tolerated, but these predictions have not been confirmed by published functional studies and their clinical significance is uncertain. In summary, the available evidence is currently insufficient to determine the role of this variant in disease. Therefore, it has been classified as a Variant of Uncertain Significance.